The following is an entry in ClinVar:

ClinVar aggregate classification (germline): Uncertain significance (1 of 4 stars; one submission).

Conditions:
Familial thoracic aortic aneurysm and aortic dissection (TAAD). Also called: Thoracic aortic aneurysms and dissections. Identifiers: Orphanet 91387, MedGen C4707243, MONDO:0019625.
Hereditary cancer-predisposing syndrome. Also called: Neoplastic Syndromes, Hereditary; Tumor predisposition; Hereditary Cancer Syndrome; Hereditary neoplastic syndrome. Identifiers: Orphanet 140162, MedGen C0027672, MeSH D009386, MONDO:0015356.

Submission:

Ambry Genetics
Classification: Uncertain significance for Hereditary cancer-predisposing syndrome; Familial thoracic aortic aneurysm and aortic dissection. Last evaluated: 2019-12-10. Review status: criteria provided, single submitter. Criteria: Ambry Variant Classification Scheme 2023. Collection method: clinical testing. Allele origin: germline.
Comment: The p.D415N variant (also known as c.1243G>A), located in coding exon 9 of the SMAD4 gene, results from a G to A substitution at nucleotide position 1243. The aspartic acid at codon 415 is replaced by asparagine, an amino acid with highly similar properties. This amino acid position is highly conserved in available vertebrate species. In addition, the in silico prediction for this alteration is inconclusive. Since supporting evidence is limited at this time, the clinical significance of this alteration remains unclear.

NM_005359.6(SMAD4):c.1243G>A (p.Asp415Asn)

Gene: SMAD4 (SMAD family member 4; plus strand). Cytogenetic location: 18q21.2.
Variant type: single nucleotide variant.
Coding change: c.1243G>A on transcript NM_005359.6 (MANE Select); coding-DNA position 1243, G replaced by A.
Protein change: p.Asp415Asn; replaces aspartic acid 415 with asparagine.
Molecular consequence: missense variant.
Genome position (GRCh38, 1-based): chr18:51,067,122, G>A. VCF-style: chr18-51067122-G-A. GRCh37 (hg19) VCF-style: chr18-48593492-G-A.
Other names: c.1243G>A, p.Asp415Asn (NM_001407041.1, NM_001407042.1); short protein forms D415N.
Identifiers: ClinVar variation 1758942 (VCV001758942.2), dbSNP rs2144452507, ClinGen allele CA402464939.